The following is an entry in ClinVar:

NM_001854.4(COL11A1):c.319C>T (p.Pro107Ser)

Gene: COL11A1 (collagen type XI alpha 1 chain; minus strand). Cytogenetic location: 1p21.1.
Variant type: single nucleotide variant.
Coding change: c.319C>T on transcript NM_001854.4 (MANE Select); coding-DNA position 319, C replaced by T.
Protein change: p.Pro107Ser; replaces proline 107 with serine.
Molecular consequence: missense variant. On other transcripts: non-coding transcript variant (1).
Genome position (GRCh38, 1-based): chr1:103,078,827, G>A on the plus strand (C>T on the coding strand, the complement: COL11A1 is on the minus strand). VCF-style: chr1-103078827-G-A. GRCh37 (hg19) VCF-style: chr1-103544383-G-A.
Other names: c.319C>T, p.Pro107Ser (NM_001190709.2, NM_080629.3, NM_080630.4); short protein forms P107S.
Identifiers: ClinVar variation 1355158 (VCV001355158.6), dbSNP rs1298293526, ClinGen allele CA341167994.

ClinVar aggregate classification (germline): Uncertain significance (1 of 4 stars; one submission).

Allele frequency attached by ClinVar (database versions not stated): gnomAD 0.00001.
gnomAD v4.1: 1 of 1,611,540 alleles (0.000062%); highest among the groups gnomAD compares: African/African-American, 0.0013%; no homozygotes.

Submission:

Labcorp Genetics (formerly Invitae), Labcorp
Classification: Uncertain significance. Last evaluated: 2021-12-06. Review status: criteria provided, single submitter. Criteria: Invitae Variant Classification Sherloc (09022015). Collection method: clinical testing. Allele origin: germline.
Comment: In summary, the available evidence is currently insufficient to determine the role of this variant in disease. Therefore, it has been classified as a Variant of Uncertain Significance. Advanced modeling of protein sequence and biophysical properties (such as structural, functional, and spatial information, amino acid conservation, physicochemical variation, residue mobility, and thermodynamic stability) performed at Invitae indicates that this missense variant is not expected to disrupt COL11A1 protein function. This variant has not been reported in the literature in individuals affected with COL11A1-related conditions. The frequency data for this variant in the population databases is considered unreliable, as metrics indicate poor data quality at this position in the gnomAD database. This sequence change replaces proline, which is neutral and non-polar, with serine, which is neutral and polar, at codon 107 of the COL11A1 protein (p.Pro107Ser).